The following is an entry in ClinVar:

ClinVar aggregate classification (germline): Likely benign (1 of 4 stars; one submission).

Conditions:
LEPR-related disorder. Also called: LEPR-related disorders; LEPR-related condition.

gnomAD v4.1: 9 of 1,614,214 alleles (0.00056%); highest among the groups gnomAD compares: African/African-American, 0.011%; no homozygotes.

Submission:

PreventionGenetics, part of Exact Sciences
Classification: Likely benign for LEPR-related condition. Last evaluated: 2025-02-28. Review status: criteria provided, single submitter. Criteria: ACMG Guidelines, 2015. Collection method: clinical testing. Allele origin: germline.
Comment: This variant is classified as likely benign based on ACMG/AMP sequence variant interpretation guidelines (Richards et al. 2015 PMID: 25741868, with internal and published modifications).

NM_002303.6(LEPR):c.2133T>C (p.Thr711=)

Genes: LEPR (leptin receptor; plus strand), LOC122094844 (Sharpr-MPRA regulatory region 5730; plus strand). Cytogenetic location: 1p31.3.
Variant type: single nucleotide variant.
Coding change: c.2133T>C on transcript NM_002303.6 (MANE Select); coding-DNA position 2133, T replaced by C.
Protein change: p.Thr711=; no amino-acid change (threonine 711 retained).
Molecular consequence: synonymous variant.
Genome position (GRCh38, 1-based): chr1:65,616,145, T>C. VCF-style: chr1-65616145-T-C. GRCh37 (hg19) VCF-style: chr1-66081828-T-C.
Other names: c.2133T>C, p.Thr711= (NM_001003679.3, NM_001003680.3, NM_001198687.2 and 2 more transcripts).
Identifiers: ClinVar variation 4987637 (VCV004987637.1).